The following is an entry in ClinVar:

NM_016006.6(ABHD5):c.578C>A (p.Pro193Gln)

Gene: ABHD5 (abhydrolase domain containing 5, lysophosphatidic acid acyltransferase; plus strand). Cytogenetic location: 3p21.33.
Variant type: single nucleotide variant.
Coding change: c.578C>A on transcript NM_016006.6 (MANE Select); coding-DNA position 578, C replaced by A.
Protein change: p.Pro193Gln; replaces proline 193 with glutamine.
Molecular consequence: missense variant. On other transcripts: non-coding transcript variant (1).
Genome position (GRCh38, 1-based): chr3:43,711,780, C>A. VCF-style: chr3-43711780-C-A. GRCh37 (hg19) VCF-style: chr3-43753272-C-A.
Other names: c.578C>A, p.Pro193Gln (NM_001355186.2, NM_001365650.1); c.455C>A, p.Pro152Gln (NM_001365649.1); short protein forms P193Q, P152Q.
Identifiers: ClinVar variation 2000992 (VCV002000992.4), dbSNP rs2528774138, ClinGen allele CA352346947.

ClinVar aggregate classification (germline): Uncertain significance (1 of 4 stars; one submission).

Submission:

Labcorp Genetics (formerly Invitae), Labcorp
Classification: Uncertain significance. Last evaluated: 2022-07-22. Review status: criteria provided, single submitter. Criteria: Invitae Variant Classification Sherloc (09022015). Collection method: clinical testing. Allele origin: germline.
Comment: In summary, the available evidence is currently insufficient to determine the role of this variant in disease. Therefore, it has been classified as a Variant of Uncertain Significance. Algorithms developed to predict the effect of missense changes on protein structure and function are either unavailable or do not agree on the potential impact of this missense change (SIFT: "Deleterious"; PolyPhen-2: "Benign"; Align-GVGD: "Class C0"). This variant has not been reported in the literature in individuals affected with ABHD5-related conditions. This variant is not present in population databases (gnomAD no frequency). This sequence change replaces proline, which is neutral and non-polar, with glutamine, which is neutral and polar, at codon 193 of the ABHD5 protein (p.Pro193Gln).